The following is an entry in ClinVar:

ClinVar aggregate classification (germline): Uncertain significance. Review status: criteria provided, multiple submitters, no conflicts (2 of 4 stars). 2 submissions from 2 submitters: Uncertain significance (2). Last evaluated 2024-12-31.

gnomAD v4.1: 107 of 1,613,858 alleles (0.0066%); highest among the groups gnomAD compares: South Asian, 0.086%; 2 homozygotes.

Submissions (2):

Labcorp Genetics (formerly Invitae), Labcorp
Classification: Uncertain significance. Last evaluated: 2024-12-31. Review status: criteria provided, single submitter. Criteria: Invitae Variant Classification Sherloc (09022015). Collection method: clinical testing. Allele origin: germline.
Comment: This sequence change replaces threonine, which is neutral and polar, with methionine, which is neutral and non-polar, at codon 1211 of the ABCA3 protein (p.Thr1211Met). This variant is present in population databases (rs777536136, gnomAD 0.1%). This variant has not been reported in the literature in individuals affected with ABCA3-related conditions. Invitae Evidence Modeling of protein sequence and biophysical properties (such as structural, functional, and spatial information, amino acid conservation, physicochemical variation, residue mobility, and thermodynamic stability) indicates that this missense variant is not expected to disrupt ABCA3 protein function with a negative predictive value of 80%. In summary, the available evidence is currently insufficient to determine the role of this variant in disease. Therefore, it has been classified as a Variant of Uncertain Significance.

Blueprint Genetics
Classification: Uncertain significance. Last evaluated: 2022-10-14. Review status: criteria provided, single submitter. Criteria: ACMG Guidelines, 2015. Collection method: clinical testing. Allele origin: germline.

NM_001089.3(ABCA3):c.3632C>T (p.Thr1211Met)

Gene: ABCA3 (ATP binding cassette subfamily A member 3; minus strand). Cytogenetic location: 16p13.3.
Variant type: single nucleotide variant.
Coding change: c.3632C>T on transcript NM_001089.3 (MANE Select); coding-DNA position 3632, C replaced by T.
Protein change: p.Thr1211Met; replaces threonine 1211 with methionine.
Molecular consequence: missense variant.
Genome position (GRCh38, 1-based): chr16:2,284,850, G>A on the plus strand (C>T on the coding strand, the complement: ABCA3 is on the minus strand). VCF-style: chr16-2284850-G-A. GRCh37 (hg19) VCF-style: chr16-2334851-G-A.
Other names: short protein forms T1211M.
Identifiers: ClinVar variation 3665180 (VCV003665180.2).
Genomic context (GRCh38, chr16:2,284,850, plus strand): 5'-ATGATGGTGACCATCAGGAAGGTGGCGATGCCTGACAGGATGTTGAAGATGGTCAGCCTC[G>A]TGTAGGCAGTGGCCGCCCCCAAGAAGAAGAAGTTCATCAGGTACATGAGGGGGATGATGG-3'
Protein context (NP_001080.2, residues 1201-1221): FFFLGAATAY[Thr1211Met]RLTIFNILSG